The following is an entry in ClinVar:

ClinVar aggregate classification (germline): Uncertain significance (1 of 4 stars; one submission).

Allele frequency attached by ClinVar (database versions not stated): gnomAD exomes below 0.00001; TOPMed below 0.00001.
gnomAD v4.1: 2 of 1,613,490 alleles (0.00012%); highest among the groups gnomAD compares: Admixed American, 0.0033%; no homozygotes.

Submission:

Labcorp Genetics (formerly Invitae), Labcorp
Classification: Uncertain significance. Last evaluated: 2022-12-05. Review status: criteria provided, single submitter. Criteria: Invitae Variant Classification Sherloc (09022015). Collection method: clinical testing. Allele origin: germline.
Comment: This variant has not been reported in the literature in individuals affected with PCK2-related conditions. This variant is present in population databases (no rsID available, gnomAD 0.006%). This sequence change replaces proline, which is neutral and non-polar, with serine, which is neutral and polar, at codon 41 of the PCK2 protein (p.Pro41Ser). In summary, the available evidence is currently insufficient to determine the role of this variant in disease. Therefore, it has been classified as a Variant of Uncertain Significance. Advanced modeling of protein sequence and biophysical properties (such as structural, functional, and spatial information, amino acid conservation, physicochemical variation, residue mobility, and thermodynamic stability) performed at Invitae indicates that this missense variant is not expected to disrupt PCK2 protein function.

NM_004563.4(PCK2):c.121C>T (p.Pro41Ser)

Genes: NRL (neural retina leucine zipper; minus strand), PCK2 (phosphoenolpyruvate carboxykinase 2, mitochondrial; plus strand). Cytogenetic location: 14q11.2.
Variant type: single nucleotide variant.
Coding change: c.121C>T on transcript NM_004563.4 (MANE Select); coding-DNA position 121, C replaced by T.
Protein change: p.Pro41Ser; replaces proline 41 with serine.
Molecular consequence: missense variant. On other transcripts: 5 prime UTR variant (1), intron variant (4).
Genome position (GRCh38, 1-based): chr14:24,096,983, C>T. VCF-style: chr14-24096983-C-T. GRCh37 (hg19) VCF-style: chr14-24566192-C-T.
Other names: c.121C>T, p.Pro41Ser (NM_001018073.3); c.-282C>T (NM_001308054.2); c.-27-14108G>A (NM_001354768.3, NM_001354770.2); c.-253-12238G>A (NM_006177.5); c.-127-1220C>T (NM_001291556.2); short protein forms P41S.
Identifiers: ClinVar variation 2731744 (VCV002731744.3), dbSNP rs1443691924, ClinGen allele CA389193175.
Genomic context (GRCh38, chr14:24,096,983, plus strand): 5'-TGGCCATCATGCCGTAGCATCCAGACCCTGCGAGTGCTTAGTGGAGATCTGGGCCAGCTT[C>T]CCACTGGCATTCGAGATTTTGTAGAGCACAGTGCCCGCCTGTGCCAACCAGAGGGCATCC-3'
Protein context (NP_004554.3, residues 31-51): RVLSGDLGQL[Pro41Ser]TGIRDFVEHS